The following is an entry in ClinVar:

NM_002508.3(NID1):c.3680dup (p.Gly1228fs)

Gene: NID1 (nidogen 1; minus strand). Cytogenetic location: 1q42.3.
Variant type: Duplication.
Coding change: c.3680dup on transcript NM_002508.3 (MANE Select); coding-DNA position 3680, one base duplicated (C; older notation c.3680dupC).
Protein change: p.Gly1228fs; shifts the reading frame from glycine 1228.
Molecular consequence: frameshift variant.
Genome position (GRCh38, 1-based): chr1:235,977,931, G duplicated on the plus strand (C on the coding strand, the reverse complement: NID1 is on the minus strand); the first of 4 consecutive G bases (chr1:235,977,931-235,977,934); duplicating any one gives the same sequence. VCF-style (leftmost placement, unchanged base first): chr1-235977930-T-TG. GRCh37 (hg19) VCF-style: chr1-236141230-T-TG.
Other names: c.3680dupC (NM_002508.2); short protein forms G1228fs.
Identifiers: ClinVar variation 450169 (VCV000450169.2), dbSNP rs756232838, ClinGen allele CA1467806.

ClinVar aggregate classification (germline): Uncertain significance (1 of 4 stars; one submission).

Submission:

GeneDx
Classification: Uncertain significance. Last evaluated: 2017-06-27. Review status: criteria provided, single submitter. Criteria: GeneDx Variant Classification (06012015). Collection method: clinical testing. Allele origin: germline. Affected: yes.
Comment: The c.3680dupC variant in the NID1 gene has not been reported previously as a pathogenic variant nor as a benign variant, to our knowledge. The c.3680dupC variant causes a frameshift starting with codon Glycine 1228, changes this amino acid to an Arginine residue, and creates a premature Stop codon at position 9 of the new reading frame, denoted p.Gly1228ArgfsX9. This variant is predicted to cause loss of normal protein function through protein truncation. The c.3680dupC variant is not observed in large population cohorts (Lek et al., 2016; 1000 Genomes Consortium et al., 2015; Exome Variant Server). We interpret c.3680dupC as a variant of uncertain significance.